The following is an entry in ClinVar:

ClinVar aggregate classification (germline): Uncertain significance (1 of 4 stars; one submission).

Submission:

Greenwood Genetic Center Diagnostic Laboratories, Greenwood Genetic Center
Classification: Uncertain significance. Last evaluated: 2025-10-31. Review status: criteria provided, single submitter. Criteria: ACMG Guidelines, 2015. Collection method: clinical testing. Allele origin: germline. Affected: yes.
Comment: Gene of Uncertain Significance

NM_021163.4(RBAK):c.620A>G (p.Tyr207Cys)

Genes: RBAK (RB associated KRAB zinc finger; plus strand), RBAK-RBAKDN (RBAK-RBAKDN readthrough; plus strand). Cytogenetic location: 7p22.1.
Variant type: single nucleotide variant.
Coding change: c.620A>G on transcript NM_021163.4 (MANE Select); coding-DNA position 620, A replaced by G.
Protein change: p.Tyr207Cys; replaces tyrosine 207 with cysteine.
Molecular consequence: missense variant. On other transcripts: intron variant (1).
Genome position (GRCh38, 1-based): chr7:5,064,076, A>G. VCF-style: chr7-5064076-A-G. GRCh37 (hg19) VCF-style: chr7-5103707-A-G.
Other names: c.620A>G, p.Tyr207Cys (NM_001204456.2); c.238+6297A>G (NM_001204513.3); short protein forms Y207C.
Identifiers: ClinVar variation 4845435 (VCV004845435.1).